The following is an entry in ClinVar:

ClinVar aggregate classification (germline): Uncertain significance (1 of 4 stars; one submission).

gnomAD v4.1: 2 of 1,614,216 alleles (0.00012%); highest among the groups gnomAD compares: Admixed American, 0.0017%; no homozygotes.

Submission:

Labcorp Genetics (formerly Invitae), Labcorp
Classification: Uncertain significance. Last evaluated: 2024-07-02. Review status: criteria provided, single submitter. Criteria: Invitae Variant Classification Sherloc (09022015). Collection method: clinical testing. Allele origin: germline.
Comment: This sequence change replaces proline, which is neutral and non-polar, with leucine, which is neutral and non-polar, at codon 212 of the EXTL3 protein (p.Pro212Leu). This variant is not present in population databases (gnomAD no frequency). This variant has not been reported in the literature in individuals affected with EXTL3-related conditions. Advanced modeling of protein sequence and biophysical properties (such as structural, functional, and spatial information, amino acid conservation, physicochemical variation, residue mobility, and thermodynamic stability) performed at Invitae indicates that this missense variant is not expected to disrupt EXTL3 protein function with a negative predictive value of 80%. In summary, the available evidence is currently insufficient to determine the role of this variant in disease. Therefore, it has been classified as a Variant of Uncertain Significance.

NM_001440.4(EXTL3):c.635C>T (p.Pro212Leu)

Gene: EXTL3 (exostosin like glycosyltransferase 3; plus strand). Cytogenetic location: 8p21.1.
Variant type: single nucleotide variant.
Coding change: c.635C>T on transcript NM_001440.4 (MANE Select); coding-DNA position 635, C replaced by T.
Protein change: p.Pro212Leu; replaces proline 212 with leucine.
Molecular consequence: missense variant.
Genome position (GRCh38, 1-based): chr8:28,716,694, C>T. VCF-style: chr8-28716694-C-T. GRCh37 (hg19) VCF-style: chr8-28574211-C-T.
Other names: short protein forms P212L.
Identifiers: ClinVar variation 3628642 (VCV003628642.2).